The following is an entry in ClinVar:

NM_000548.5(TSC2):c.115A>G (p.Ile39Val)

Gene: TSC2 (TSC complex subunit 2; plus strand). Cytogenetic location: 16p13.3.
Variant type: single nucleotide variant.
Coding change: c.115A>G on transcript NM_000548.5 (MANE Select); coding-DNA position 115, A replaced by G.
Protein change: p.Ile39Val; replaces isoleucine 39 with valine.
Molecular consequence: missense variant. On other transcripts: 5 prime UTR variant (1), intron variant (1).
Genome position (GRCh38, 1-based): chr16:2,048,730, A>G. VCF-style: chr16-2048730-A-G. GRCh37 (hg19) VCF-style: chr16-2098731-A-G.
Other names: c.115A>G, p.Ile39Val (NM_001077183.3, NM_001114382.3, NM_001318827.2 and 13 more transcripts); c.-112A>G (NM_001318831.2, NM_001406682.1, NM_001406684.1 and 2 more transcripts); c.148A>G, p.Ile50Val (NM_001318832.2); c.-1317A>G (NM_001406691.1, NM_001406692.1, NM_001406697.1 and 2 more transcripts); c.-1623A>G (NM_001406693.1); c.-1198A>G (NM_001406694.1, NM_001406695.1); c.-1305A>G (NM_001406696.1); c.-1493A>G (NM_001406698.1); and 3 more; short protein forms I50V, I39V.
Identifiers: ClinVar variation 2109843 (VCV002109843.4), dbSNP rs1265165657, ClinGen allele CA394301632.

ClinVar aggregate classification (germline): Uncertain significance (1 of 4 stars; one submission).

Conditions:
Tuberous sclerosis 2 (TSC2). Identifiers: Orphanet 805, MedGen C1860707, MONDO:0013199, OMIM 613254.

Allele frequency attached by ClinVar (database versions not stated): gnomAD exomes below 0.00001; TOPMed below 0.00001; gnomAD 0.00001.

Submission:

Labcorp Genetics (formerly Invitae), Labcorp
Classification: Uncertain significance for Tuberous sclerosis 2. Last evaluated: 2023-08-02. Review status: criteria provided, single submitter. Criteria: Invitae Variant Classification Sherloc (09022015). Collection method: clinical testing. Allele origin: germline.
Comment: In summary, the available evidence is currently insufficient to determine the role of this variant in disease. Therefore, it has been classified as a Variant of Uncertain Significance. Advanced modeling of protein sequence and biophysical properties (such as structural, functional, and spatial information, amino acid conservation, physicochemical variation, residue mobility, and thermodynamic stability) performed at Invitae indicates that this missense variant is not expected to disrupt TSC2 protein function. ClinVar contains an entry for this variant (Variation ID: 2109843). This variant has not been reported in the literature in individuals affected with TSC2-related conditions. This variant is not present in population databases (gnomAD no frequency). This sequence change replaces isoleucine, which is neutral and non-polar, with valine, which is neutral and non-polar, at codon 39 of the TSC2 protein (p.Ile39Val).